The following is an entry in ClinVar:

NM_018124.4(RFWD3):c.779C>A (p.Thr260Asn)

Gene: RFWD3 (ring finger and WD repeat domain 3; minus strand). Cytogenetic location: 16q23.1.
Variant type: single nucleotide variant.
Coding change: c.779C>A on transcript NM_018124.4 (MANE Select); coding-DNA position 779, C replaced by A.
Protein change: p.Thr260Asn; replaces threonine 260 with asparagine.
Molecular consequence: missense variant. On other transcripts: 5 prime UTR variant (3), intron variant (2).
Genome position (GRCh38, 1-based): chr16:74,649,145, G>T on the plus strand (C>A on the coding strand, the complement: RFWD3 is on the minus strand). VCF-style: chr16-74649145-G-T. GRCh37 (hg19) VCF-style: chr16-74683043-G-T.
Other names: c.779C>A, p.Thr260Asn (NM_001370534.1, NM_001370535.1, NM_001370536.1); c.-230C>A (NM_001370537.1); c.-56C>A (NM_001370539.1, NM_001370540.1); c.-43+2775C>A (NM_001370543.1); c.-164-67C>A (NM_001370542.1); short protein forms T260N.
Identifiers: ClinVar variation 4719902 (VCV004719902.1).

ClinVar aggregate classification (germline): Uncertain significance (1 of 4 stars; one submission).

Submission:

Labcorp Genetics (formerly Invitae), Labcorp
Classification: Uncertain significance. Last evaluated: 2025-05-21. Review status: criteria provided, single submitter. Criteria: Invitae Variant Classification Sherloc (09022015). Collection method: clinical testing. Allele origin: germline.
Comment: This sequence change replaces threonine, which is neutral and polar, with asparagine, which is neutral and polar, at codon 260 of the RFWD3 protein (p.Thr260Asn). This variant is not present in population databases (gnomAD no frequency). This variant has not been reported in the literature in individuals affected with RFWD3-related conditions. An algorithm developed to predict the effect of missense changes on protein structure and function (PolyPhen-2) suggests that this variant is likely to be tolerated. In summary, the available evidence is currently insufficient to determine the role of this variant in disease. Therefore, it has been classified as a Variant of Uncertain Significance.